The following is an entry in ClinVar:

NM_020366.4(RPGRIP1):c.1197C>A (p.Asn399Lys)

Gene: RPGRIP1 (RPGR interacting protein 1; plus strand). Cytogenetic location: 14q11.2.
Variant type: single nucleotide variant.
Coding change: c.1197C>A on transcript NM_020366.4 (MANE Select); coding-DNA position 1197, C replaced by A.
Protein change: p.Asn399Lys; replaces asparagine 399 with lysine.
Molecular consequence: missense variant.
Genome position (GRCh38, 1-based): chr14:21,317,741, C>A. VCF-style: chr14-21317741-C-A. GRCh37 (hg19) VCF-style: chr14-21785900-C-A.
Other names: c.123C>A, p.Asn41Lys (NM_001377523.1, NM_001377948.1, NM_001377949.1 and 1 more transcripts); short protein forms N399K, N41K.
Identifiers: ClinVar variation 2169698 (VCV002169698.4), dbSNP rs372186092, ClinGen allele CA388863975.

ClinVar aggregate classification (germline): Uncertain significance (1 of 4 stars; one submission).

Conditions:
Leber congenital amaurosis 6 (LCA6). Identifiers: Orphanet 65, MedGen C1854260, MONDO:0013446, OMIM 613826.
Cone-rod dystrophy 13 (CORD13). Identifiers: Orphanet 1872, MedGen C2750720, MONDO:0011987, OMIM 608194.

gnomAD v4.1: 6 of 1,591,356 alleles (0.00038%); highest among the groups gnomAD compares: African/African-American, 0.0013%; no homozygotes.

Submission:

Labcorp Genetics (formerly Invitae), Labcorp
Classification: Uncertain significance for Leber congenital amaurosis 6; Cone-rod dystrophy 13. Last evaluated: 2022-03-17. Review status: criteria provided, single submitter. Criteria: Invitae Variant Classification Sherloc (09022015). Collection method: clinical testing. Allele origin: germline.
Comment: This sequence change replaces asparagine, which is neutral and polar, with lysine, which is basic and polar, at codon 399 of the RPGRIP1 protein (p.Asn399Lys). The frequency data for this variant in the population databases is considered unreliable, as metrics indicate poor data quality at this position in the gnomAD database. This variant has not been reported in the literature in individuals affected with RPGRIP1-related conditions. Algorithms developed to predict the effect of missense changes on protein structure and function (SIFT, PolyPhen-2, Align-GVGD) all suggest that this variant is likely to be tolerated. In summary, the available evidence is currently insufficient to determine the role of this variant in disease. Therefore, it has been classified as a Variant of Uncertain Significance.